The following is an entry in ClinVar:

NM_001198950.3(MYO16):c.4617G>A (p.Lys1539=)

Gene: MYO16 (myosin XVI; plus strand). Cytogenetic location: 13q33.3.
Variant type: single nucleotide variant.
Coding change: c.4617G>A on transcript NM_001198950.3 (MANE Select); coding-DNA position 4617, G replaced by A.
Protein change: p.Lys1539=; no amino-acid change (lysine 1539 retained).
Molecular consequence: synonymous variant.
Genome position (GRCh38, 1-based): chr13:109,140,829, G>A. VCF-style: chr13-109140829-G-A. GRCh37 (hg19) VCF-style: chr13-109793177-G-A.
Other names: c.4551G>A, p.Lys1517= (NM_015011.3).
Identifiers: ClinVar variation 3037560 (VCV003037560.2), dbSNP rs150813880, ClinGen allele CA7045732.

ClinVar aggregate classification (germline): Benign (0 of 4 stars; one submission).

Conditions:
MYO16-related disorder. Also called: MYO16-related condition.

Allele frequency attached by ClinVar (database versions not stated): ESP Exome Variant Server 0.01676; gnomAD 0.01996; TOPMed 0.01997; 1000 Genomes Project 30x 0.02171; 1000 Genomes Project 0.02177; gnomAD exomes 0.02681; ExAC 0.03089.
gnomAD v4.1: 41,464 of 1,594,084 alleles (2.6%); highest among the groups gnomAD compares: Admixed American, 3.4%; 612 homozygotes.

Submission:

PreventionGenetics, part of Exact Sciences
Classification: Benign for MYO16-related condition. Last evaluated: 2019-02-20. Review status: no assertion criteria provided. Collection method: clinical testing. Allele origin: germline.
Comment: This variant is classified as benign based on ACMG/AMP sequence variant interpretation guidelines (Richards et al. 2015 PMID: 25741868, with internal and published modifications).